The following is an entry in ClinVar:

NM_020223.4(FAM20C):c.42G>C (p.Leu14=)

Gene: FAM20C (FAM20C golgi associated secretory pathway kinase; plus strand). Cytogenetic location: 7p22.3.
Variant type: single nucleotide variant.
Coding change: c.42G>C on transcript NM_020223.4 (MANE Select); coding-DNA position 42, G replaced by C.
Protein change: p.Leu14=; no amino-acid change (leucine 14 retained).
Molecular consequence: synonymous variant.
Genome position (GRCh38, 1-based): chr7:193,241, G>C. VCF-style: chr7-193241-G-C. GRCh37 (hg19) VCF-style: chr7-193241-G-C.
Other names: c.42G>C (NM_020223.3).
Identifiers: ClinVar variation 1648728 (VCV001648728.9), dbSNP rs2115034420, ClinGen allele CA453350116.

ClinVar aggregate classification (germline): Likely benign. Review status: criteria provided, single submitter (1 of 4 stars). 2 submissions from 2 submitters: Likely benign (1). 1 of the submissions does not count toward it. Last evaluated 2024-06-20.

Conditions:
FAM20C-related disorder. Also called: FAM20C-related condition.

Submissions (2):

Labcorp Genetics (formerly Invitae), Labcorp
Classification: Likely benign. Last evaluated: 2024-06-20. Review status: criteria provided, single submitter. Criteria: Invitae Variant Classification Sherloc (09022015). Collection method: clinical testing. Allele origin: germline.

PreventionGenetics, part of Exact Sciences
Classification: Likely benign for FAM20C-related condition. Last evaluated: 2024-06-12. Review status: no assertion criteria provided. Collection method: clinical testing. Allele origin: germline. Not counted in ClinVar's aggregate classification.
Comment: This variant is classified as likely benign based on ACMG/AMP sequence variant interpretation guidelines (Richards et al. 2015 PMID: 25741868, with internal and published modifications).